The following is an entry in ClinVar:

ClinVar aggregate classification (germline): Uncertain significance (1 of 4 stars; one submission).

Conditions:
Autism spectrum disorder - epilepsy - arthrogryposis syndrome (AMRS). Identifiers: Orphanet 370943, MedGen C3809910, MONDO:0014248, OMIM 615553.

Submission:

Labcorp Genetics (formerly Invitae), Labcorp
Classification: Uncertain significance for Autism spectrum disorder - epilepsy - arthrogryposis syndrome. Last evaluated: 2023-08-24. Review status: criteria provided, single submitter. Criteria: Invitae Variant Classification Sherloc (09022015). Collection method: clinical testing. Allele origin: germline.
Comment: In summary, the available evidence is currently insufficient to determine the role of this variant in disease. Therefore, it has been classified as a Variant of Uncertain Significance. Advanced modeling of protein sequence and biophysical properties (such as structural, functional, and spatial information, amino acid conservation, physicochemical variation, residue mobility, and thermodynamic stability) performed at Invitae indicates that this missense variant is expected to disrupt SLC35A3 protein function. ClinVar contains an entry for this variant (Variation ID: 1967395). This variant has not been reported in the literature in individuals affected with SLC35A3-related conditions. This variant is not present in population databases (gnomAD no frequency). This sequence change replaces tyrosine, which is neutral and polar, with asparagine, which is neutral and polar, at codon 26 of the SLC35A3 protein (p.Tyr26Asn).

NM_012243.3(SLC35A3):c.76T>A (p.Tyr26Asn)

Gene: SLC35A3 (solute carrier family 35 member A3; plus strand). Cytogenetic location: 1p21.2.
Variant type: single nucleotide variant.
Coding change: c.76T>A on transcript NM_012243.3 (MANE Select); coding-DNA position 76, T replaced by A.
Protein change: p.Tyr26Asn; replaces tyrosine 26 with asparagine.
Molecular consequence: missense variant.
Genome position (GRCh38, 1-based): chr1:99,993,630, T>A. VCF-style: chr1-99993630-T-A. GRCh37 (hg19) VCF-style: chr1-100459186-T-A.
Other names: c.76T>A, p.Tyr26Asn (NM_001271684.2); c.202T>A, p.Tyr68Asn (NM_001271685.2); short protein forms Y26N, Y68N.
Identifiers: ClinVar variation 1967395 (VCV001967395.5), dbSNP rs2524361080, ClinGen allele CA341323767.